The following is an entry in ClinVar:

ClinVar aggregate classification (germline): Uncertain significance (1 of 4 stars; one submission).

Conditions:
Inborn genetic diseases. Identifiers: MedGen C0950123, MeSH D030342.

Submission:

Ambry Genetics
Classification: Uncertain significance for Inborn genetic diseases. Last evaluated: 2025-11-04. Review status: criteria provided, single submitter. Criteria: Ambry Variant Classification Scheme 2023. Collection method: clinical testing. Allele origin: germline.
Comment: The c.1115C>T (p.P372L) alteration is located in exon 10 (coding exon 9) of the STT3A gene. This alteration results from a C to T substitution at nucleotide position 1115, causing the proline (P) at amino acid position 372 to be replaced by a leucine (L). Based on data from gnomAD, the T allele has an overall frequency of 0.001% (2/247226) total alleles studied. The highest observed frequency was 0.006% (1/16192) of African alleles. Based on insufficient or conflicting evidence, the clinical significance of this alteration remains unclear.

NM_152713.5(STT3A):c.1115C>T (p.Pro372Leu)

Gene: STT3A (STT3 oligosaccharyltransferase complex catalytic subunit A; plus strand). Cytogenetic location: 11q24.2.
Variant type: single nucleotide variant.
Coding change: c.1115C>T on transcript NM_152713.5 (MANE Select); coding-DNA position 1115, C replaced by T.
Protein change: p.Pro372Leu; replaces proline 372 with leucine.
Molecular consequence: missense variant.
Genome position (GRCh38, 1-based): chr11:125,609,587, C>T. VCF-style: chr11-125609587-C-T. GRCh37 (hg19) VCF-style: chr11-125479482-C-T.
Other names: c.1115C>T, p.Pro372Leu (NM_001278503.2); c.839C>T, p.Pro280Leu (NM_001278504.2); short protein forms P280L, P372L.
Identifiers: ClinVar variation 4632443 (VCV004632443.1).